The following is an entry in ClinVar:

ClinVar aggregate classification (germline): Uncertain significance (1 of 4 stars; one submission).

Conditions:
Costello syndrome (CSTLO). Also called: FACIOCUTANEOSKELETAL SYNDROME; FCS SYNDROME; HRAS-Related Costello Syndrome. Identifiers: Orphanet 3071, MedGen C0587248, MONDO:0009026, OMIM 218040.

gnomAD v4.1: 2 of 1,613,748 alleles (0.00012%); highest among the groups gnomAD compares: Non-Finnish European, 0.00017%; no homozygotes.

Submission:

Labcorp Genetics (formerly Invitae), Labcorp
Classification: Uncertain significance for Costello syndrome. Last evaluated: 2024-06-25. Review status: criteria provided, single submitter. Criteria: Invitae Variant Classification Sherloc (09022015). Collection method: clinical testing. Allele origin: germline.
Comment: This sequence change replaces arginine, which is basic and polar, with glycine, which is neutral and non-polar, at codon 123 of the HRAS protein (p.Arg123Gly). This variant is not present in population databases (gnomAD no frequency). This variant has not been reported in the literature in individuals affected with HRAS-related conditions. ClinVar contains an entry for this variant (Variation ID: 1443090). Advanced modeling of protein sequence and biophysical properties (such as structural, functional, and spatial information, amino acid conservation, physicochemical variation, residue mobility, and thermodynamic stability) performed at Invitae indicates that this missense variant is expected to disrupt HRAS protein function with a positive predictive value of 95%. In summary, the available evidence is currently insufficient to determine the role of this variant in disease. Therefore, it has been classified as a Variant of Uncertain Significance.

NM_005343.4(HRAS):c.367C>G (p.Arg123Gly)

Genes: HRAS (HRas proto-oncogene, GTPase; minus strand), LRRC56 (leucine rich repeat containing 56; plus strand). Cytogenetic location: 11p15.5.
Variant type: single nucleotide variant.
Coding change: c.367C>G on transcript NM_005343.4 (MANE Select); coding-DNA position 367, C replaced by G.
Protein change: p.Arg123Gly; replaces arginine 123 with glycine.
Molecular consequence: missense variant.
Genome position (GRCh38, 1-based): chr11:533,536, G>C on the plus strand (C>G on the coding strand, the complement: HRAS is on the minus strand). VCF-style: chr11-533536-G-C. GRCh37 (hg19) VCF-style: chr11-533536-G-C.
Other names: c.367C>G, p.Arg123Gly (NM_001130442.3, NM_176795.5); c.48C>G, p.His16Gln (NM_001318054.2); short protein forms H16Q, R123G.
Identifiers: ClinVar variation 1443090 (VCV001443090.9), dbSNP rs369106578, ClinGen allele CA378923304.